The following is an entry in ClinVar:

NM_006343.3(MERTK):c.912G>A (p.Trp304Ter)

Gene: MERTK (MER proto-oncogene, tyrosine kinase; plus strand). Cytogenetic location: 2q13.
Variant type: single nucleotide variant.
Coding change: c.912G>A on transcript NM_006343.3 (MANE Select); coding-DNA position 912, G replaced by A.
Protein change: p.Trp304Ter; replaces tryptophan 304 with a stop codon.
Molecular consequence: nonsense.
Genome position (GRCh38, 1-based): chr2:111,968,204, G>A. VCF-style: chr2-111968204-G-A. GRCh37 (hg19) VCF-style: chr2-112725781-G-A.
Other names: short protein forms W304*.
Identifiers: ClinVar variation 2110010 (VCV002110010.5), dbSNP rs779211043, ClinGen allele CA1831224.
Genomic context (GRCh38, chr2:111,968,204, plus strand): 5'-CTCCCCACCAACTGAAGTCAGCATCCGTAACAGCACTGCACACAGCATTCTGATCTCCTG[G>A]GTTCCTGGTTTTGATGGATACTCCCCGTTCAGGAATTGCAGCATTCAGGTAAAGTTCCAG-3'

ClinVar aggregate classification (germline): Pathogenic. Review status: criteria provided, multiple submitters, no conflicts (2 of 4 stars). 2 submissions from 2 submitters: Pathogenic (2). Last evaluated 2024-04-03.

Conditions:
Retinitis pigmentosa 38 (RP38). Also called: ROD-CONE DYSTROPHY, CHILDHOOD-ONSET. Identifiers: Orphanet 791, MedGen C3151228, MONDO:0013469, OMIM 613862.

Allele frequency attached by ClinVar (database versions not stated): ExAC 0.00001.
gnomAD v4.1: 2 of 1,613,950 alleles (0.00012%); highest among the groups gnomAD compares: Admixed American, 0.0017%; no homozygotes.

Submissions (2):

Labcorp Genetics (formerly Invitae), Labcorp
Classification: Pathogenic. Last evaluated: 2024-04-03. Review status: criteria provided, single submitter. Criteria: Invitae Variant Classification Sherloc (09022015). Collection method: clinical testing. Allele origin: germline.
Comment: This sequence change creates a premature translational stop signal (p.Trp304*) in the MERTK gene. It is expected to result in an absent or disrupted protein product. Loss-of-function variants in MERTK are known to be pathogenic (PMID: 24265693, 29659094). This variant is present in population databases (rs779211043, gnomAD 0.003%). This variant has not been reported in the literature in individuals affected with MERTK-related conditions. ClinVar contains an entry for this variant (Variation ID: 2110010). For these reasons, this variant has been classified as Pathogenic.

3billion
Classification: Pathogenic for Retinitis pigmentosa 38. Last evaluated: 2023-09-06. Review status: criteria provided, single submitter. Criteria: ACMG Guidelines, 2015. Collection method: clinical testing. Allele origin: germline. Affected: yes.
Comment: The variant is observed at an extremely low frequency in the gnomAD v2.1.1 dataset (total allele frequency: 0.000%). Predicted Consequence/Location: Stop-gained (nonsense): predicted to result in a loss or disruption of normal protein function through nonsense-mediated decay (NMD) or protein truncation. Multiple pathogenic variants are reported downstream of the variant. The variant has been reported to be associated with MERTK related disorder (ClinVar ID: VCV002110010). Therefore, this variant is classified as Pathogenic according to the recommendation of ACMG/AMP guideline.

Literature cited by the submitters: PubMed 24265693 (cited by Labcorp Genetics (formerly Invitae), Labcorp); PubMed 29659094 (cited by Labcorp Genetics (formerly Invitae), Labcorp).